The following is an entry in ClinVar:

NM_004369.4(COL6A3):c.7637_7638delinsCC (p.Gln2546Pro)

Gene: COL6A3 (collagen type VI alpha 3 chain; minus strand). Cytogenetic location: 2q37.3.
Variant type: Indel.
Coding change: c.7637_7638delinsCC on transcript NM_004369.4 (MANE Select); coding-DNA positions 7637 to 7638, AG replaced by CC.
Protein change: p.Gln2546Pro; replaces glutamine 2546 with proline.
Molecular consequence: missense variant.
Genome position (GRCh38, 1-based): chr2:237,344,380-237,344,381, CT replaced by GG on the plus strand (AG replaced by CC on the coding strand, the reverse complement: COL6A3 is on the minus strand). VCF-style: chr2-237344380-CT-GG. GRCh37 (hg19) VCF-style: chr2-238253023-CT-GG.
Other names: c.5816_5817delinsCC, p.Gln1939Pro (NM_057166.5); c.7019_7020delinsCC, p.Gln2340Pro (NM_057167.4); short protein forms Q1939P, Q2340P, Q2546P.
Identifiers: ClinVar variation 4526072 (VCV004526072.1).

ClinVar aggregate classification (germline): Uncertain significance (1 of 4 stars; one submission).

Submission:

Women's Health and Genetics/Laboratory Corporation of America, LabCorp
Classification: Uncertain significance. Last evaluated: 2025-07-08. Review status: criteria provided, single submitter. Criteria: LabCorp Variant Classification Summary - May 2015. Collection method: clinical testing. Allele origin: germline.
Comment: Variant summary: COL6A3 c.7637_7638delinsCC (p.Gln2546Pro) results in a non-conservative amino acid change in the encoded protein sequence. Algorithms developed to predict the effect of missense changes on protein structure and function are either unavailable or do not agree on the potential impact of this missense change. The variant was absent in 251342 control chromosomes. The available data on variant occurrences in the general population are insufficient to allow any conclusion about variant significance. To our knowledge, no occurrence of c.7637_7638delinsCC in individuals affected with Ullrich congenital muscular dystrophy 1-AR and no experimental evidence demonstrating its impact on protein function have been reported. No submitters have cited clinical-significance assessments for this variant to ClinVar. Based on the evidence outlined above, the variant was classified as uncertain significance.